The following is an entry in ClinVar:

ClinVar aggregate classification (germline): Likely benign. Review status: criteria provided, multiple submitters, no conflicts (2 of 4 stars). 4 submissions from 4 submitters: Likely benign (4). Last evaluated 2026-01-19.

Conditions:
DNMT1-related disorder. Also called: DNMT1-related condition. Identifiers: MedGen CN381527.
Hereditary sensory neuropathy-deafness-dementia syndrome. Also called: Hereditary Sensory and Autonomic Neuropathy Type 1E (HSAN1E); HSN IE; Hereditary sensory neuropathy type IE; NEUROPATHY, HEREDITARY SENSORY, WITH HEARING LOSS AND DEMENTIA. Identifiers: Orphanet 456318, MedGen C3279885, MONDO:0013584, OMIM 614116.
Autosomal dominant cerebellar ataxia, deafness and narcolepsy. Also called: Autosomal Dominant Cerebellar Ataxia, Deafness, and Narcolepsy (ADCA-DN). Identifiers: Orphanet 314404, MedGen C4302668, MONDO:0011397, OMIM 604121.

Allele frequency attached by ClinVar (database versions not stated): TOPMed 0.00010; gnomAD exomes 0.00014 and 0.00008; 1000 Genomes Project 0.00020; gnomAD 0.00007; 1000 Genomes Project 30x 0.00031; ESP Exome Variant Server 0.00008; ExAC 0.00010.
gnomAD v4.1: 133 of 1,614,220 alleles (0.0082%); highest among the groups gnomAD compares: Middle Eastern, 0.099%; no homozygotes.

Submissions (4):

Labcorp Genetics (formerly Invitae), Labcorp
Classification: Likely benign for Hereditary sensory neuropathy-deafness-dementia syndrome. Last evaluated: 2026-01-19. Review status: criteria provided, single submitter. Criteria: Invitae Variant Classification Sherloc (09022015). Collection method: clinical testing. Allele origin: germline.

PreventionGenetics, part of Exact Sciences
Classification: Likely benign for DNMT1-related condition. Last evaluated: 2025-07-11. Review status: criteria provided, single submitter. Criteria: ACMG Guidelines, 2015. Collection method: clinical testing. Allele origin: germline.
Comment: This variant is classified as likely benign based on ACMG/AMP sequence variant interpretation guidelines (Richards et al. 2015 PMID: 25741868, with internal and published modifications).

Blueprint Genetics
Classification: Likely benign. Last evaluated: 2024-11-27. Review status: criteria provided, single submitter. Criteria: ACMG Guidelines, 2015. Collection method: clinical testing. Allele origin: germline.

Fulgent Genetics
Classification: Likely benign for Autosomal dominant cerebellar ataxia, deafness and narcolepsy; Hereditary sensory neuropathy-deafness-dementia syndrome. Last evaluated: 2021-09-19. Review status: criteria provided, single submitter. Criteria: ACMG Guidelines, 2015. Collection method: clinical testing. Allele origin: unknown.

NM_001130823.3(DNMT1):c.1986C>T (p.Asn662=)

Gene: DNMT1 (DNA methyltransferase 1; minus strand). Cytogenetic location: 19p13.2.
Variant type: single nucleotide variant.
Coding change: c.1986C>T on transcript NM_001130823.3 (MANE Select); coding-DNA position 1986, C replaced by T.
Protein change: p.Asn662=; no amino-acid change (asparagine 662 retained).
Molecular consequence: synonymous variant.
Genome position (GRCh38, 1-based): chr19:10,154,326, G>A on the plus strand (C>T on the coding strand, the complement: DNMT1 is on the minus strand). VCF-style: chr19-10154326-G-A. GRCh37 (hg19) VCF-style: chr19-10265002-G-A.
Other names: c.1986C>T (NM_001130823.2, LRG_362t1); c.1938C>T, p.Asn646= (NM_001318730.2, NM_001379.4); c.1623C>T, p.Asn541= (NM_001318731.2).
Identifiers: ClinVar variation 472265 (VCV000472265.15), dbSNP rs377704053, ClinGen allele CA9188160.